The following is an entry in ClinVar:

ClinVar aggregate classification (germline): Uncertain significance. Review status: criteria provided, multiple submitters, no conflicts (2 of 4 stars). 2 submissions from 2 submitters: Uncertain significance (2). Last evaluated 2025-10-14.

Conditions:
Arrhythmogenic cardiomyopathy with wooly hair and keratoderma. Also called: PALMOPLANTAR KERATODERMA WITH LEFT VENTRICULAR CARDIOMYOPATHY AND WOOLLY HAIR; Dilated cardiomyopathy with woolly hair and keratoderma; Arrhythmogenic cardiomyopathy with woolly hair and keratoderma; Carvajal syndrome. Identifiers: Orphanet 65282, MedGen C1854063, MONDO:0011581, OMIM 605676.
Arrhythmogenic right ventricular dysplasia 8 (ARVD8). Also called: Arrhythmogenic Right Ventricular Dysplasia/Cardiomyopathy 8; ARRHYTHMOGENIC RIGHT VENTRICULAR DYSPLASIA, FAMILIAL, 8; ARRHYTHMOGENIC RIGHT VENTRICULAR CARDIOMYOPATHY 8. Identifiers: MedGen C1843896, MONDO:0011831, OMIM 607450.
Cardiomyopathy (CMYO). Also called: Cardiomyopathies. Identifiers: Orphanet 167848, MedGen C0878544, MONDO:0004994, HP:0001638. Inheritance: Various modes of inheritance.

gnomAD v4.1: 6 of 1,614,160 alleles (0.00037%); highest among the groups gnomAD compares: Non-Finnish European, 0.00042%; no homozygotes.

Submissions (2):

Labcorp Genetics (formerly Invitae), Labcorp
Classification: Uncertain significance for Arrhythmogenic cardiomyopathy with wooly hair and keratoderma; Arrhythmogenic right ventricular dysplasia 8. Last evaluated: 2025-10-14. Review status: criteria provided, single submitter. Criteria: Invitae Variant Classification Sherloc (09022015). Collection method: clinical testing. Allele origin: germline.
Comment: This sequence change replaces isoleucine, which is neutral and non-polar, with methionine, which is neutral and non-polar, at codon 702 of the DSP protein (p.Ile702Met). This variant is present in population databases (rs752986545, gnomAD 0.0009%). This variant has not been reported in the literature in individuals affected with DSP-related conditions. An algorithm developed to predict the effect of missense changes on protein structure and function (PolyPhen-2) suggests that this variant is likely to be tolerated. In summary, the available evidence is currently insufficient to determine the role of this variant in disease. Therefore, it has been classified as a Variant of Uncertain Significance.

Color Diagnostics, LLC DBA Color Health
Classification: Uncertain significance for Cardiomyopathy. Last evaluated: 2025-07-17. Review status: criteria provided, single submitter. Criteria: ACMG Guidelines, 2015. Collection method: clinical testing. Allele origin: germline.
Comment: This missense variant replaces isoleucine with methionine at codon 702 of the DSP protein. Computational prediction suggests that this variant may not impact protein structure and function. To our knowledge, functional studies have not been reported for this variant. This variant has not been reported in individuals affected with DSP-related disorders in the literature. This variant has been identified in 1/251064 chromosomes in the general population by the Genome Aggregation Database (gnomAD). The available evidence is insufficient to determine the role of this variant in disease conclusively. Therefore, this variant is classified as a Variant of Uncertain Significance.

NM_004415.4(DSP):c.2106C>G (p.Ile702Met)

Gene: DSP (desmoplakin; plus strand). Cytogenetic location: 6p24.3.
Variant type: single nucleotide variant.
Coding change: c.2106C>G on transcript NM_004415.4 (MANE Select); coding-DNA position 2106, C replaced by G.
Protein change: p.Ile702Met; replaces isoleucine 702 with methionine.
Molecular consequence: missense variant.
Genome position (GRCh38, 1-based): chr6:7,572,044, C>G. VCF-style: chr6-7572044-C-G. GRCh37 (hg19) VCF-style: chr6-7572277-C-G.
Other names: c.2106C>G, p.Ile702Met (NM_001008844.3, NM_001319034.2); short protein forms I702M.
Identifiers: ClinVar variation 4757701 (VCV004757701.2).
Genomic context (GRCh38, chr6:7,572,044, plus strand): 5'-CGAGGGCAGGATGACTCTCAAAAACCTCCCTCTAGCAGACCAGGGATCTTCTCACCACAT[C>G]ACAGTGAAAATTAACGAGCTTAAGGTAGGTATCTGCTAGTATTTTGCCTGGTTACCCTGT-3'
Protein context (NP_004406.2, residues 692-712): PLADQGSSHH[Ile702Met]TVKINELKSV